The following is an entry in ClinVar:

ClinVar aggregate classification (germline): Uncertain significance (1 of 4 stars; one submission).

Conditions:
Severe combined immunodeficiency due to DNA-PKcs deficiency. Also called: Immunodeficiency 26 with or without neurologic abnormalities; IMMUNODEFICIENCY 26 WITH NEUROLOGIC ABNORMALITIES. Identifiers: Orphanet 317425, MedGen C4014833, MONDO:0014423, OMIM 615966.

Allele frequency attached by ClinVar (database versions not stated): gnomAD exomes below 0.00001; TOPMed 0.00002.
gnomAD v4.1: 1 of 1,612,996 alleles (0.000062%); highest among the groups gnomAD compares: Admixed American, 0.0017%; no homozygotes.

Submission:

Labcorp Genetics (formerly Invitae), Labcorp
Classification: Uncertain significance for Severe combined immunodeficiency due to DNA-PKcs deficiency. Last evaluated: 2024-10-26. Review status: criteria provided, single submitter. Criteria: Invitae Variant Classification Sherloc (09022015). Collection method: clinical testing. Allele origin: germline.
Comment: This sequence change replaces methionine, which is neutral and non-polar, with valine, which is neutral and non-polar, at codon 342 of the PRKDC protein (p.Met342Val). This variant is present in population databases (no rsID available, gnomAD 0.003%). This variant has not been reported in the literature in individuals affected with PRKDC-related conditions. ClinVar contains an entry for this variant (Variation ID: 857287). Invitae Evidence Modeling of protein sequence and biophysical properties (such as structural, functional, and spatial information, amino acid conservation, physicochemical variation, residue mobility, and thermodynamic stability) indicates that this missense variant is not expected to disrupt PRKDC protein function with a negative predictive value of 80%. In summary, the available evidence is currently insufficient to determine the role of this variant in disease. Therefore, it has been classified as a Variant of Uncertain Significance.

NM_006904.7(PRKDC):c.1024A>G (p.Met342Val)

Gene: PRKDC (protein kinase, DNA-activated, catalytic subunit; minus strand). Cytogenetic location: 8q11.21.
Variant type: single nucleotide variant.
Coding change: c.1024A>G on transcript NM_006904.7 (MANE Select); coding-DNA position 1024, A replaced by G.
Protein change: p.Met342Val; replaces methionine 342 with valine.
Molecular consequence: missense variant.
Genome position (GRCh38, 1-based): chr8:47,939,640, T>C on the plus strand (A>G on the coding strand, the complement: PRKDC is on the minus strand). VCF-style: chr8-47939640-T-C. GRCh37 (hg19) VCF-style: chr8-48852200-T-C.
Other names: c.1024A>G, p.Met342Val (NM_001081640.2); short protein forms M342V.
Identifiers: ClinVar variation 857287 (VCV000857287.9), dbSNP rs1320620697, ClinGen allele CA371166745.
Genomic context (GRCh38, chr8:47,939,640, plus strand): 5'-CAATAGATAACTCCTTGTTGTTCGAATCCACATTTCTGATGATTCCATAAAACTGCTCCA[T>C]AAAGTACTGCAGTTTATTTTTATGCATTTCTGCATTTTTCGCCACCATATTAGAAACCTG-3'
Protein context (NP_008835.5, residues 332-352): EMHKNKLQYF[Met342Val]EQFYGIIRNV